The following is an entry in ClinVar:

ClinVar aggregate classification (germline): Uncertain significance (1 of 4 stars; one submission).

Conditions:
Familial hypobetalipoproteinemia 1. Also called: APOB-Related Familial Hypobetalipoproteinemia; Hypobetalipoproteinemia, normotriglyceridemic; Acanthocytosis with hypobetalipoproteinemia. Identifiers: MedGen C4551990, MONDO:0014252, OMIM 615558.
Hypercholesterolemia, autosomal dominant, type B (FHCL2). Also called: Familial Hypercholesterolemia Type B; APOLIPOPROTEIN B-100, FAMILIAL DEFECTIVE; APOLIPOPROTEIN B-100, FAMILIAL LIGAND-DEFECTIVE; HYPERCHOLESTEROLEMIA, FAMILIAL, DUE TO LIGAND-DEFECTIVE APOLIPOPROTEIN B; Hyperlipoproteinemia Type IIb; Familial hypercholesterolemia 2. Identifiers: MedGen C1704417, MONDO:0007751, OMIM 144010.

gnomAD v4.1: 7 of 1,614,098 alleles (0.00043%); highest among the groups gnomAD compares: Non-Finnish European, 0.00059%; no homozygotes.

Submission:

Labcorp Genetics (formerly Invitae), Labcorp
Classification: Uncertain significance for Familial hypobetalipoproteinemia 1; Hypercholesterolemia, autosomal dominant, type B. Last evaluated: 2025-04-13. Review status: criteria provided, single submitter. Criteria: Invitae Variant Classification Sherloc (09022015). Collection method: clinical testing. Allele origin: germline.
Comment: This sequence change replaces glycine, which is neutral and non-polar, with arginine, which is basic and polar, at codon 66 of the APOB protein (p.Gly66Arg). This variant is not present in population databases (gnomAD no frequency). This variant has not been reported in the literature in individuals affected with APOB-related conditions. ClinVar contains an entry for this variant (Variation ID: 2947037). Invitae Evidence Modeling of protein sequence and biophysical properties (such as structural, functional, and spatial information, amino acid conservation, physicochemical variation, residue mobility, and thermodynamic stability) indicates that this missense variant is not expected to disrupt APOB protein function with a negative predictive value of 95%. In summary, the available evidence is currently insufficient to determine the role of this variant in disease. Therefore, it has been classified as a Variant of Uncertain Significance.

NM_000384.3(APOB):c.196G>C (p.Gly66Arg)

Genes: APOB (apolipoprotein B; minus strand), LOC106560211 (APOB 5' regulatory region; plus strand). Cytogenetic location: 2p24.1.
Variant type: single nucleotide variant.
Coding change: c.196G>C on transcript NM_000384.3 (MANE Select); coding-DNA position 196, G replaced by C.
Protein change: p.Gly66Arg; replaces glycine 66 with arginine.
Molecular consequence: missense variant.
Genome position (GRCh38, 1-based): chr2:21,042,402, C>G on the plus strand (G>C on the coding strand, the complement: APOB is on the minus strand). VCF-style: chr2-21042402-C-G. GRCh37 (hg19) VCF-style: chr2-21265274-C-G.
Other names: short protein forms G66R.
Identifiers: ClinVar variation 2947037 (VCV002947037.3), dbSNP rs1664151833, ClinGen allele CA345965111.
Genomic context (GRCh38, chr2:21,042,402, plus strand): 5'-CTGCCTGCATCCTCCATACCTTGCAGTTGATCCTGGTGGCACTTCTTGAATCAGCAGTCC[C>G]AGGGACTCCACTGGAACTCTCAGCCTCATAGTTGTATGTGTACTTCCGGAGGTGCTTGAA-3'
Protein context (NP_000375.3, residues 56-76): YEAESSSGVP[Gly66Arg]TADSRSATRI